The following is an entry in ClinVar:

ClinVar aggregate classification (germline): Uncertain significance. Review status: criteria provided, multiple submitters, no conflicts (2 of 4 stars). 5 submissions from 5 submitters: Uncertain significance (4). 1 of the submissions does not count toward it. Last evaluated 2025-10-19.

Conditions:
Hereditary cancer-predisposing syndrome. Also called: Hereditary neoplastic syndrome; Neoplastic Syndromes, Hereditary; Tumor predisposition; Hereditary Cancer Syndrome. Identifiers: Orphanet 140162, MedGen C0027672, MeSH D009386, MONDO:0015356.
Hereditary breast ovarian cancer syndrome. Also called: BRCA1- and BRCA2-Associated Hereditary Breast and Ovarian Cancer; Hereditary breast and/or ovarian cancer syndrome; Hereditary breast and ovarian cancer syndrome; Hereditary breast and ovarian cancer; Hereditary breast and ovarian cancer syndrome (HBOC); Breast and ovarian cancer. Identifiers: Orphanet 145, MedGen C0677776, MeSH D061325, MONDO:0003582. Disease mechanism: loss of function.

Submissions (5):

Ambry Genetics
Classification: Uncertain significance for Hereditary cancer-predisposing syndrome. Last evaluated: 2025-10-19. Review status: criteria provided, single submitter. Criteria: Ambry Variant Classification Scheme 2023. Collection method: clinical testing. Allele origin: germline.
Comment: The c.68-8_68-7delTTinsAA intronic variant, located in intron 1 of the BRCA2 gene, results from an in-frame from the deletion of two nucleotides and the insertion of two nucleotides at nucleotide position 68. This nucleotide position is well conserved in available vertebrate species. In silico splice site analysis predicts that this alteration may weaken the native splice acceptor site. RNA studies have demonstrated that this alteration results in a splice defect; the clinical impact of this abnormal splicing is unknown at this time (Ambry internal data). Based on the available evidence, the clinical significance of this variant remains unclear.

Color Diagnostics, LLC DBA Color Health
Classification: Uncertain significance for Hereditary cancer-predisposing syndrome. Last evaluated: 2024-07-16. Review status: criteria provided, single submitter. Criteria: ACMG Guidelines, 2015. Collection method: clinical testing. Allele origin: germline.
Comment: This variant replaces two nucleotides with two different nucleotides in intron 2 of the BRCA2 gene. An RNA study reported that this variant causes leaky in-frame skipping of exon 3 in both a mini gene assay and in patient RNA (PMID: 32641407, DOI: DOI 10.1155/2024/4830045). A functional study reported this variant complements in BRCA2-deficient mouse embryonic stem cells (PMID: 32641407). This variant has been reported in 6 individuals affected with breast or ovarian cancer (PMID: 32641407). This variant has not been identified in the general population by the Genome Aggregation Database (gnomAD). The available evidence is insufficient to determine the role of this variant in disease conclusively. Therefore, this variant is classified as a Variant of Uncertain Significance.

Labcorp Genetics (formerly Invitae), Labcorp
Classification: Uncertain significance for Hereditary breast ovarian cancer syndrome. Last evaluated: 2017-04-18. Review status: criteria provided, single submitter. Criteria: Invitae Variant Classification Sherloc (09022015). Collection method: clinical testing. Allele origin: germline.
Comment: In summary, this is a novel intronic change with uncertain impact on splicing. It has been classified as a Variant of Uncertain Significance. This variant is not present in population databases (ExAC no frequency) and has not been reported in the literature in individuals with a BRCA2-related disease. Algorithms developed to predict the effect of nucleotide changes on RNA splicing suggest that this intronic variant may alter RNA splicing, but this prediction has not been confirmed by published transcriptional studies. This sequence change falls in intron 2 of the BRCA2 gene. It does not directly change the encoded amino acid sequence of the BRCA2 protein.

GeneDx
Classification: Uncertain significance. Last evaluated: 2017-01-02. Review status: criteria provided, single submitter. Criteria: GeneDx Variant Classification (06012015). Collection method: clinical testing. Allele origin: germline. Affected: yes.
Comment: This variant is denoted BRCA2 c.68-8_68-7delTTinsAA or IVS2-8_IVS2-7delTTinsAA and consists of a combined deletion and insertion of two nucleotides at the -8 and -7 position in intron 2 of the BRCA2 gene. Using alternate nomenclature, this variant would be defined as BRCA2 296-8_296-7delTTinsAA. The normal sequence, with the bases that are deleted and inserted in brackets, is atttttttt[deltt][insaa]aaat. Multiple in silico models predict this variant to damage the nearby natural splice acceptor site and to possibly cause abnormal gene splicing; however, in the absence of RNA or functional studies, the actual effect of this variant is unknown. This variant has not, to our knowledge, been published in the literature as pathogenic or benign. BRCA2 c.68-8_68-7delTTinsAA was not observed in approximately 6,500 individuals of European and African American ancestry in the NHLBI Exome Sequencing Project, suggesting it is not a common benign variant in these populations. The thymine (T) nucleotides that are deleted are not conserved across species. Based on currently available information, it is unclear whether BRCA2 c.68-8_68-7delTTinsAA is pathogenic or benign. We consider it to be a variant of uncertain significance.

True Health Diagnostics
Classification: Uncertain significance for Hereditary cancer-predisposing syndrome. Last evaluated: 2017-08-22. Review status: no assertion criteria provided. Collection method: clinical testing. Allele origin: germline. Not counted in ClinVar's aggregate classification.

Literature cited by the submitters: PubMed 4830045 (cited by Color Diagnostics, LLC DBA Color Health); PubMed 32641407 (cited by Color Diagnostics, LLC DBA Color Health).

NM_000059.4(BRCA2):c.68-8_68-7inv

Gene: BRCA2 (BRCA2 DNA repair associated; plus strand). Cytogenetic location: 13q13.1.
Variant type: Inversion.
Coding change: c.68-8_68-7inv on transcript NM_000059.4 (MANE Select).
Molecular consequence: intron variant.
Genome position: GRCh38 VCF-style: chr13-32319069-TT-AA. GRCh37 (hg19) VCF-style: chr13-32893206-TT-AA.
Other names: c.68-8_68-7delinsAA (NM_000059.3, NM_000059.4).
Identifiers: ClinVar variation 423011 (VCV000423011.14), ClinGen allele CA16619634.